The following is an entry in ClinVar:

ClinVar aggregate classification (germline): Uncertain significance (1 of 4 stars; one submission).

Conditions:
Epileptic encephalopathy. Identifiers: MedGen C0543888, HP:0200134.

Allele frequency attached by ClinVar (database versions not stated): TOPMed below 0.00001; gnomAD 0.00001.
gnomAD v4.1: 12 of 1,550,118 alleles (0.00077%); highest among the groups gnomAD compares: Non-Finnish European, 0.001%; no homozygotes.

Submission:

Labcorp Genetics (formerly Invitae), Labcorp
Classification: Uncertain significance for Epileptic encephalopathy. Last evaluated: 2024-11-04. Review status: criteria provided, single submitter. Criteria: Invitae Variant Classification Sherloc (09022015). Collection method: clinical testing. Allele origin: germline.
Comment: This sequence change affects codon 1521 of the FASN mRNA. It is a 'silent' change, meaning that it does not change the encoded amino acid sequence of the FASN protein. It affects a nucleotide within the consensus splice site. This variant is not present in population databases (gnomAD no frequency). This variant has not been reported in the literature in individuals affected with FASN-related conditions. ClinVar contains an entry for this variant (Variation ID: 855683). Algorithms developed to predict the effect of sequence changes on RNA splicing suggest that this variant is not likely to affect RNA splicing. In summary, the available evidence is currently insufficient to determine the role of this variant in disease. Therefore, it has been classified as a Variant of Uncertain Significance.

NM_004104.5(FASN):c.4563G>A (p.Glu1521=)

Gene: FASN (fatty acid synthase; minus strand). Cytogenetic location: 17q25.3.
Variant type: single nucleotide variant.
Coding change: c.4563G>A on transcript NM_004104.5 (MANE Select); coding-DNA position 4563, G replaced by A.
Protein change: p.Glu1521=; no amino-acid change (glutamic acid 1521 retained).
Molecular consequence: synonymous variant.
Genome position (GRCh38, 1-based): chr17:82,084,800, C>T on the plus strand (G>A on the coding strand, the complement: FASN is on the minus strand). VCF-style: chr17-82084800-C-T. GRCh37 (hg19) VCF-style: chr17-80042676-C-T.
Identifiers: ClinVar variation 855683 (VCV000855683.9), dbSNP rs2034059758, ClinGen allele CA502431564.